The following is an entry in ClinVar:

ClinVar aggregate classification (germline): Uncertain significance (1 of 4 stars; one submission).

Conditions:
Hereditary cancer-predisposing syndrome. Also called: Neoplastic Syndromes, Hereditary; Tumor predisposition; Hereditary Cancer Syndrome; Hereditary neoplastic syndrome. Identifiers: Orphanet 140162, MedGen C0027672, MeSH D009386, MONDO:0015356.

Submission:

Ambry Genetics
Classification: Uncertain significance for Hereditary cancer-predisposing syndrome. Last evaluated: 2025-06-21. Review status: criteria provided, single submitter. Criteria: Ambry Variant Classification Scheme 2023. Collection method: clinical testing. Allele origin: germline.
Comment: The p.F62V variant (also known as c.184T>G), located in coding exon 3 of the SDHA gene, results from a T to G substitution at nucleotide position 184. The phenylalanine at codon 62 is replaced by valine, an amino acid with highly similar properties. This amino acid position is conserved. In addition, this alteration is predicted to be deleterious by in silico analysis. Based on the available evidence, the clinical significance of this variant remains unclear.

NM_004168.4(SDHA):c.184T>G (p.Phe62Val)

Gene: SDHA (succinate dehydrogenase complex flavoprotein subunit A; plus strand). Cytogenetic location: 5p15.33.
Variant type: single nucleotide variant.
Coding change: c.184T>G on transcript NM_004168.4 (MANE Select); coding-DNA position 184, T replaced by G.
Protein change: p.Phe62Val; replaces phenylalanine 62 with valine.
Molecular consequence: missense variant.
Genome position (GRCh38, 1-based): chr5:224,393, T>G. VCF-style: chr5-224393-T-G. GRCh37 (hg19) VCF-style: chr5-224508-T-G.
Other names: c.184T>G, p.Phe62Val (NM_001294332.2, NM_001330758.2); short protein forms F62V.
Identifiers: ClinVar variation 4161181 (VCV004161181.1).